The following is an entry in ClinVar:

ClinVar aggregate classification (germline): Likely benign (0 of 4 stars; one submission).

Conditions:
FOXD1-related disorder. Also called: FOXD1-related condition.

Allele frequency attached by ClinVar (database versions not stated): gnomAD exomes below 0.00001.
gnomAD v4.1: 5 of 1,248,884 alleles (0.0004%); highest among the groups gnomAD compares: South Asian, 0.0047%; no homozygotes.

Submission:

PreventionGenetics, part of Exact Sciences
Classification: Likely benign for FOXD1-related condition. Last evaluated: 2020-10-16. Review status: no assertion criteria provided. Collection method: clinical testing. Allele origin: germline.
Comment: This variant is classified as likely benign based on ACMG/AMP sequence variant interpretation guidelines (Richards et al. 2015 PMID: 25741868, with internal and published modifications).

NM_004472.3(FOXD1):c.-6A>C

Gene: FOXD1 (forkhead box D1; minus strand). Cytogenetic location: 5q13.2.
Variant type: single nucleotide variant.
Coding change: c.-6A>C on transcript NM_004472.3 (MANE Select); 6 bases upstream of the start codon, A replaced by C.
Molecular consequence: 5 prime UTR variant.
Genome position (GRCh38, 1-based): chr5:73,448,368, T>G on the plus strand (A>C on the coding strand, the complement: FOXD1 is on the minus strand). VCF-style: chr5-73448368-T-G. GRCh37 (hg19) VCF-style: chr5-72744193-T-G.
Identifiers: ClinVar variation 3036775 (VCV003036775.2), dbSNP rs2478678186, ClinGen allele CA445041360.